The following is an entry in ClinVar:

ClinVar aggregate classification (germline): Pathogenic (1 of 4 stars; one submission).

Conditions:
Severe myoclonic epilepsy in infancy (DRVT). Also called: Epileptic encephalopathy, early infantile, 6 (Dravet syndrome); SEVERE MYOCLONIC EPILEPSY OF INFANCY; DEVELOPMENTAL AND EPILEPTIC ENCEPHALOPATHY 6A; Severe Myoclonic Epilepsy in Infancy (SMEI); Dravet syndrome. Identifiers: Orphanet 33069, MedGen C0751122, MONDO:0100135, OMIM 607208.

Submission:

Center for Bioinformatics, Peking University
Classification: Pathogenic for Dravet syndrome. Last evaluated: 2014-12-20. Review status: criteria provided, single submitter. Criteria: Xu et al. (Hum Mutat. 2015). Collection method: research. Allele origin: de novo. Affected: yes. Observed: 1 variant allele. Study: University Clinical Cooperation “985 Project” PKU-2014-1-1.
Comment: Dravet syndrome (DS) probands were recruited from the outpatient and inpatient child neurology units of Peking University First Hospital from 2005 till present. The study was approved by the Ethics Committee of Peking University First Hospital and the Institutional Review Board at Peking University. Participants or their parents provided written informed consent before enrollment. We collected a total of 267 mutations from 255 families with probands diagnosed with DS in China. All probands fulfilled the clinical diagnostic criteria.

NM_001165963.4(SCN1A):c.5780G>C (p.Arg1927Thr)

Genes: SCN1A (sodium voltage-gated channel alpha subunit 1; minus strand), LOC102724058 (uncharacterized LOC102724058; plus strand). Cytogenetic location: 2q24.3.
Variant type: single nucleotide variant.
Coding change: c.5780G>C on transcript NM_001165963.4 (MANE Select); coding-DNA position 5780, G replaced by C.
Protein change: p.Arg1927Thr; replaces arginine 1927 with threonine.
Molecular consequence: missense variant. On other transcripts: non-coding transcript variant (1).
Genome position (GRCh38, 1-based): chr2:165,991,495, C>G on the plus strand (G>C on the coding strand, the complement: SCN1A is on the minus strand). VCF-style: chr2-165991495-C-G. GRCh37 (hg19) VCF-style: chr2-166848005-C-G.
Other names: c.5696G>C, p.Arg1899Thr (NM_001165964.3, NM_001353957.2, NM_001353958.2); c.5780G>C, p.Arg1927Thr (NM_001202435.3, NM_001353948.2); c.5747G>C, p.Arg1916Thr (NM_001353949.2, NM_001353950.2, NM_001353951.2 and 2 more transcripts); c.5744G>C, p.Arg1915Thr (NM_001353954.2, NM_001353955.2); c.5693G>C, p.Arg1898Thr (NM_001353960.2); c.3338G>C, p.Arg1113Thr (NM_001353961.2); short protein forms R1916T, R1927T, R1915T, R1113T, R1898T, R1899T.
Identifiers: ClinVar variation 189893 (VCV000189893.1), dbSNP rs794726737, ClinGen allele CA303228.